The following is an entry in ClinVar:

NM_000108.5(DLD):c.763A>C (p.Met255Leu)

Gene: DLD (dihydrolipoamide dehydrogenase; plus strand). Cytogenetic location: 7q31.1.
Variant type: single nucleotide variant.
Coding change: c.763A>C on transcript NM_000108.5 (MANE Select); coding-DNA position 763, A replaced by C.
Protein change: p.Met255Leu; replaces methionine 255 with leucine.
Molecular consequence: missense variant.
Genome position (GRCh38, 1-based): chr7:107,915,584, A>C. VCF-style: chr7-107915584-A-C. GRCh37 (hg19) VCF-style: chr7-107556029-A-C.
Other names: p.M255L:ATG>CTG; c.694A>C, p.Met232Leu (NM_001289751.1); c.619A>C, p.Met207Leu (NM_001289752.1); c.466A>C, p.Met156Leu (NM_001289750.1); short protein forms M255L, M232L, M156L, M207L.
Identifiers: ClinVar variation 203680 (VCV000203680.20), dbSNP rs533405046, ClinGen allele CA312464.

ClinVar aggregate classification (germline): Conflicting classifications of pathogenicity. Review status: criteria provided, conflicting classifications (1 of 4 stars). 7 submissions from 5 submitters: Uncertain significance (5); Likely benign (1). 1 of the submissions does not count toward it. Last evaluated 2026-01-22.

Conditions:
Pyruvate dehydrogenase complex deficiency (PDHC). Also called: PDH DEFICIENCY; PYRUVATE DECARBOXYLASE DEFICIENCY; Pyruvate Dehydrogenase Complex Deficiency Disease; Pyruvate dehydrogenase deficiency; Ataxia with lactic acidosis 1. Identifiers: Orphanet 765, Orphanet 79243, MedGen C0034345, MONDO:0019169.
Pyruvate dehydrogenase E3 deficiency (DLDD). Also called: Dihydrolipoamide Dehydrogenase E3 Deficiency; Lipoamide dehydrogenase deficiency, lactic acidosis due to; DLD DEFICIENCY; E3 DEFICIENCY; Dihydrolipoamide Dehydrogenase (E3) Deficiency; Dihydrolipoamide Dehydrogenase Deficiency. Identifiers: Orphanet 2394, Orphanet 765, MedGen C5574660, MONDO:0009529, OMIM 246900.
Leigh syndrome (NULS). Also called: LEIGH SYNDROME, NUCLEAR; Leigh's syndrome; Leigh's necrotizing encephalopathy; Leigh's disease; Leigh Syndrome (mtDNA deletion); Leigh Disease. Identifiers: Orphanet 506, MedGen C2931891, MONDO:0009723, OMIM 256000.

Allele frequency attached by ClinVar (database versions not stated): gnomAD exomes 0.00011 and 0.00029; ExAC 0.00032; 1000 Genomes Project 30x 0.00047; 1000 Genomes Project 0.00060.
gnomAD v4.1: 169 of 1,613,864 alleles (0.01%); highest among the groups gnomAD compares: South Asian, 0.17%; no homozygotes.

Submissions (7):

Labcorp Genetics (formerly Invitae), Labcorp
Classification: Likely benign for Pyruvate dehydrogenase E3 deficiency. Last evaluated: 2026-01-22. Review status: criteria provided, single submitter. Criteria: Invitae Variant Classification Sherloc (09022015). Collection method: clinical testing. Allele origin: germline.

Revvity Omics, Revvity
Classification: Uncertain significance for Pyruvate dehydrogenase E3 deficiency. Last evaluated: 2023-06-06. Review status: criteria provided, single submitter. Criteria: ACMG Guidelines, 2015. Collection method: clinical testing. Allele origin: germline.

Illumina Laboratory Services, Illumina
Classification: Uncertain significance for Pyruvate dehydrogenase E3 deficiency. Last evaluated: 2018-01-12. Review status: criteria provided, single submitter. Criteria: ICSL Variant Classification Criteria 13 December 2019. Collection method: clinical testing. Allele origin: germline.

Illumina Laboratory Services, Illumina
Classification: Uncertain significance for Leigh syndrome. Last evaluated: 2018-01-12. Review status: criteria provided, single submitter. Criteria: ICSL Variant Classification Criteria 13 December 2019. Collection method: clinical testing. Allele origin: germline.

Illumina Laboratory Services, Illumina
Classification: Uncertain significance for Pyruvate dehydrogenase complex deficiency. Last evaluated: 2018-01-12. Review status: criteria provided, single submitter. Criteria: ICSL Variant Classification Criteria 13 December 2019. Collection method: clinical testing. Allele origin: germline.

GeneDx
Classification: Uncertain significance. Last evaluated: 2012-07-12. Review status: criteria provided, single submitter. Criteria: GeneDx Variant Classification (06012015). Collection method: clinical testing. Allele origin: germline. Affected: yes.
Comment: p.Met255Leu (ATG>CTG): c.763 A>C in exon 9 of the DLD gene (NM_000108.3) Mitochondrial disorders caused by mutations in the DLD gene are inherited in an autosomal recessive fashion. The M255L missense substitution in the DLD gene has not been published as a mutation, nor has it been reported as a benign polymorphism to our knowledge. The amino acid change is conservative in that Methionine and Leucine are both uncharged, non-polar amino acids. This change occurs at a conserved position in the DLD gene. In-silico analyses are not consistent in their predictions as to whether or not M255L is damaging to the DLD protein. Therefore, based on the currently available information it is unclear whether M255L is a disease-causing mutation or a rare benign variant. The variant is found in MITONUC-MITOP panel(s).

Natera, Inc.
Classification: Likely benign for Maple syrup urine disease type 3. Last evaluated: 2020-04-16. Review status: no assertion criteria provided. Collection method: clinical testing. Allele origin: germline. Not counted in ClinVar's aggregate classification.